The following is an entry in ClinVar:

NM_002691.4(POLD1):c.840+18_840+19delinsTT

Gene: POLD1 (DNA polymerase delta 1, catalytic subunit; plus strand). Cytogenetic location: 19q13.33.
Variant type: Indel.
Coding change: c.840+18_840+19delinsTT on transcript NM_002691.4 (MANE Select); bases 18 to 19 of the intron after coding-DNA position 840, GC replaced by TT.
Molecular consequence: intron variant.
Genome position (GRCh38, 1-based): chr19:50,402,553-50,402,554, GC replaced by TT. VCF-style: chr19-50402553-GC-TT. GRCh37 (hg19) VCF-style: chr19-50905810-GC-TT.
Other names: c.840+18_840+19delinsTT (NM_001256849.1, NM_001308632.1).
Identifiers: ClinVar variation 2697031 (VCV002697031.3), dbSNP rs2513967118, ClinGen allele CA2697556667.

ClinVar aggregate classification (germline): Uncertain significance (1 of 4 stars; one submission).

Conditions:
POLD1-related polyposis and colorectal cancer syndrome (CRCS10). Also called: Colorectal cancer 10; Colorectal cancer, susceptibility to, 10; COLORECTAL CANCER, SUSCEPTIBILITY TO, ON CHROMOSOME 19q. Identifiers: Orphanet 220460, MedGen C2675481, MONDO:0012953, OMIM 612591.

Submission:

Labcorp Genetics (formerly Invitae), Labcorp
Classification: Uncertain significance for POLD1-related polyposis and colorectal cancer syndrome. Last evaluated: 2023-11-18. Review status: criteria provided, single submitter. Criteria: Invitae Variant Classification Sherloc (09022015). Collection method: clinical testing. Allele origin: germline.
Comment: This sequence change falls in intron 7 of the POLD1 gene. It does not directly change the encoded amino acid sequence of the POLD1 protein. Information on the frequency of this variant in the gnomAD database is not available, as this variant may be reported differently in the database. This variant has not been reported in the literature in individuals affected with POLD1-related conditions. Experimental studies and prediction algorithms are not available or were not evaluated, and the effect of this variant on mRNA splicing is currently unknown. In summary, the available evidence is currently insufficient to determine the role of this variant in disease. Therefore, it has been classified as a Variant of Uncertain Significance.